The following is an entry in ClinVar:

ClinVar aggregate classification (germline): Uncertain significance. Review status: criteria provided, multiple submitters, no conflicts (2 of 4 stars). 2 submissions from 2 submitters: Uncertain significance (2). Last evaluated 2024-05-15.

Conditions:
Inborn genetic diseases. Identifiers: MedGen C0950123, MeSH D030342.

Allele frequency attached by ClinVar (database versions not stated): gnomAD exomes 0.00002; gnomAD 0.00003; ExAC 0.00009; TOPMed 0.00009; 1000 Genomes Project 30x 0.00016; 1000 Genomes Project 0.00020.
gnomAD v4.1: 45 of 1,613,960 alleles (0.0028%); highest among the groups gnomAD compares: East Asian, 0.013%; no homozygotes.

Submissions (2):

Ambry Genetics
Classification: Uncertain significance for Inborn genetic diseases. Last evaluated: 2024-05-15. Review status: criteria provided, single submitter. Criteria: Ambry Variant Classification Scheme 2023. Collection method: clinical testing. Allele origin: germline.

Labcorp Genetics (formerly Invitae), Labcorp
Classification: Uncertain significance. Last evaluated: 2023-11-25. Review status: criteria provided, single submitter. Criteria: Invitae Variant Classification Sherloc (09022015). Collection method: clinical testing. Allele origin: germline.
Comment: This sequence change replaces arginine, which is basic and polar, with cysteine, which is neutral and slightly polar, at codon 4506 of the HERC1 protein (p.Arg4506Cys). This variant is present in population databases (rs200748047, gnomAD 0.07%). This variant has not been reported in the literature in individuals affected with HERC1-related conditions. Advanced modeling of protein sequence and biophysical properties (such as structural, functional, and spatial information, amino acid conservation, physicochemical variation, residue mobility, and thermodynamic stability) performed at Invitae indicates that this missense variant is not expected to disrupt HERC1 protein function with a negative predictive value of 80%. In summary, the available evidence is currently insufficient to determine the role of this variant in disease. Therefore, it has been classified as a Variant of Uncertain Significance.

NM_003922.4(HERC1):c.13516C>T (p.Arg4506Cys)

Gene: HERC1 (HECT and RLD domain containing E3 ubiquitin protein ligase family member 1; minus strand). Cytogenetic location: 15q22.31.
Variant type: single nucleotide variant.
Coding change: c.13516C>T on transcript NM_003922.4 (MANE Select); coding-DNA position 13516, C replaced by T.
Protein change: p.Arg4506Cys; replaces arginine 4506 with cysteine.
Molecular consequence: missense variant.
Genome position (GRCh38, 1-based): chr15:63,623,820, G>A on the plus strand (C>T on the coding strand, the complement: HERC1 is on the minus strand). VCF-style: chr15-63623820-G-A. GRCh37 (hg19) VCF-style: chr15-63916019-G-A.
Other names: c.13516C>T (NM_003922.3); short protein forms R4506C.
Identifiers: ClinVar variation 2885361 (VCV002885361.4), dbSNP rs200748047, ClinGen allele CA7603712.